The following is an entry in ClinVar:

ClinVar aggregate classification (germline): Conflicting classifications of pathogenicity. Review status: criteria provided, conflicting classifications (1 of 4 stars). 12 submissions from 10 submitters: Uncertain significance (2); Benign (1); Likely benign (7). 2 of the submissions do not count toward it. Last evaluated 2026-09-01.

Conditions:
Inborn genetic diseases. Identifiers: MedGen C0950123, MeSH D030342.
Hereditary cancer-predisposing syndrome. Also called: Hereditary neoplastic syndrome; Hereditary Cancer Syndrome; Neoplastic Syndromes, Hereditary; Tumor predisposition. Identifiers: Orphanet 140162, MedGen C0027672, MeSH D009386, MONDO:0015356.
Wilms tumor 1 (WT1). Also called: Wilms tumor, somatic. Identifiers: Orphanet 654, MedGen CN033288, MONDO:0008679, OMIM 194070.
11p partial monosomy syndrome (WAGR). Also called: WAGR Spectrum Disorder; WAGR syndrome; CHROMOSOME 11p13 DELETION SYNDROME; WAGR Complex. Identifiers: Orphanet 893, MedGen C0206115, MONDO:0008681, OMIM 194072.
Frasier syndrome. Identifiers: Orphanet 347, MedGen C0950122, MeSH D052159, MONDO:0007635, OMIM 136680.
Drash syndrome (DDS). Also called: WILMS TUMOR AND PSEUDO- OR TRUE HERMAPHRODITISM; NEPHROPATHY, WILMS TUMOR, AND GENITAL ANOMALIES. Identifiers: Orphanet 220, MedGen C0950121, MONDO:0008682, OMIM 194080.
Nephrotic syndrome, type 4 (NPHS4). Also called: Familial mesangial sclerosis; Nephrotic syndrome, early onset with diffuse mesangial sclerosis. Identifiers: Orphanet 656, MedGen C3151568, MONDO:0009733, OMIM 256370.
Meacham syndrome. Also called: Meacham Winn Culler syndrome. Identifiers: Orphanet 3097, MedGen C1837026, MONDO:0012164, OMIM 608978.

Allele frequency attached by ClinVar (database versions not stated): gnomAD exomes 0.00025 and 0.00035; ExAC 0.00042; 1000 Genomes Project 30x 0.00078; 1000 Genomes Project 0.00080; gnomAD 0.00182 and 0.00197; TOPMed 0.00199.
gnomAD v4.1: 628 of 1,465,328 alleles (0.043%); highest among the groups gnomAD compares: African/African-American, 0.6%; 1 homozygote.

Submissions (12):

CeGaT Center for Human Genetics Tuebingen
Classification: Likely benign. Last evaluated: 2026-09-01. Review status: criteria provided, single submitter. Criteria: CeGaT Center For Human Genetics Tuebingen Variant Classification Criteria Version 2. Collection method: clinical testing. Allele origin: germline. Affected: yes. Observed: 7 variant alleles.
Comment: WT1: BP4, BP7, BS1

Labcorp Genetics (formerly Invitae), Labcorp
Classification: Benign for Wilms tumor 1; Drash syndrome; 11p partial monosomy syndrome; Frasier syndrome. Last evaluated: 2026-01-28. Review status: criteria provided, single submitter. Criteria: Invitae Variant Classification Sherloc (09022015). Collection method: clinical testing. Allele origin: germline.

Blueprint Genetics
Classification: Likely benign. Last evaluated: 2024-11-07. Review status: criteria provided, single submitter. Criteria: ACMG Guidelines, 2015. Collection method: clinical testing. Allele origin: germline.

Ambry Genetics
Classification: Likely benign for Inborn genetic diseases. Last evaluated: 2024-08-21. Review status: criteria provided, single submitter. Criteria: Ambry Variant Classification Scheme 2023. Collection method: clinical testing. Allele origin: germline.

KCCC/NGS Laboratory, Kuwait Cancer Control Center
Classification: Likely benign for Wilms tumor 1. Last evaluated: 2023-07-07. Review status: criteria provided, single submitter. Criteria: ACMG Guidelines, 2015. Collection method: clinical testing. Allele origin: germline. Affected: yes.

Sema4
Classification: Likely benign for Hereditary cancer-predisposing syndrome. Last evaluated: 2020-12-18. Review status: criteria provided, single submitter. Criteria: Sema4 Curation Guidelines. Collection method: curation. Allele origin: germline.

GeneDx
Classification: Likely benign. Last evaluated: 2018-05-17. Review status: criteria provided, single submitter. Criteria: GeneDx Variant Classification (06012015). Collection method: clinical testing. Allele origin: germline. Affected: yes.
Comment: This variant is considered likely benign or benign based on one or more of the following criteria: it is a conservative change, it occurs at a poorly conserved position in the protein, it is predicted to be benign by multiple in silico algorithms, and/or has population frequency not consistent with disease.

Illumina Laboratory Services, Illumina
Classification: Uncertain significance for Wilms tumor 1. Last evaluated: 2018-01-13. Review status: criteria provided, single submitter. Criteria: ICSL Variant Classification Criteria 13 December 2019. Collection method: clinical testing. Allele origin: germline.

Illumina Laboratory Services, Illumina
Classification: Uncertain significance for Nephrotic syndrome, type 4. Last evaluated: 2018-01-13. Review status: criteria provided, single submitter. Criteria: ICSL Variant Classification Criteria 13 December 2019. Collection method: clinical testing. Allele origin: germline.

Illumina Laboratory Services, Illumina
Classification: Likely benign for Meacham syndrome. Last evaluated: 2018-01-13. Review status: criteria provided, single submitter. Criteria: ICSL Variant Classification Criteria 13 December 2019. Collection method: clinical testing. Allele origin: germline.
Comment: This variant was observed in the ICSL laboratory as part of a predisposition screen in an ostensibly healthy population. It had not been previously curated by ICSL or reported in the Human Gene Mutation Database (HGMD: prior to June 1st, 2018), and was therefore a candidate for classification through an automated scoring system. Utilizing variant allele frequency, disease prevalence and penetrance estimates, and inheritance mode, an automated score was calculated to assess if this variant is too frequent to cause the disease. Based on the score and internal cut-off values, a variant classified as likely benign is not then subjected to further curation. The score for this variant resulted in a classification of likely benign for this disease.

Clinical Genetics DNA and cytogenetics Diagnostics Lab, Erasmus MC, Erasmus Medical Center
Classification: Likely benign. Review status: no assertion criteria provided. Collection method: clinical testing. Allele origin: germline. Affected: yes. Study: VKGL Data-share Consensus. Not counted in ClinVar's aggregate classification.

Genome Diagnostics Laboratory, University Medical Center Utrecht
Classification: Likely benign. Review status: no assertion criteria provided. Collection method: clinical testing. Allele origin: germline. Affected: yes. Study: VKGL Data-share Consensus. Not counted in ClinVar's aggregate classification.

NM_024426.6(WT1):c.309C>A (p.Gly103=)

Genes: WT1 (WT1 transcription factor; minus strand), LOC107982234 (WT1/WT1-AS bi-directional promoter region; plus strand). Cytogenetic location: 11p13.
Variant type: single nucleotide variant.
Coding change: c.309C>A on transcript NM_024426.6 (MANE Select); coding-DNA position 309, C replaced by A.
Protein change: p.Gly103=; no amino-acid change (glycine 103 retained).
Molecular consequence: synonymous variant. On other transcripts: non-coding transcript variant (1).
Genome position (GRCh38, 1-based): chr11:32,435,052, G>T on the plus strand (C>A on the coding strand, the complement: WT1 is on the minus strand). VCF-style: chr11-32435052-G-T. GRCh37 (hg19) VCF-style: chr11-32456598-G-T.
Other names: c.309C>A, p.Gly103= (NM_000378.6, NM_024424.5).
Identifiers: ClinVar variation 241480 (VCV000241480.47), dbSNP rs547333427, ClinGen allele CA064811.